The following is an entry in ClinVar:

ClinVar aggregate classification (germline): Uncertain significance. Review status: criteria provided, multiple submitters, no conflicts (2 of 4 stars). 2 submissions from 2 submitters: Uncertain significance (2). Last evaluated 2025-04-17.

Conditions:
Tuberous sclerosis 2 (TSC2). Identifiers: Orphanet 805, MedGen C1860707, MONDO:0013199, OMIM 613254.
Hereditary cancer-predisposing syndrome. Also called: Hereditary neoplastic syndrome; Tumor predisposition; Neoplastic Syndromes, Hereditary; Hereditary Cancer Syndrome. Identifiers: Orphanet 140162, MedGen C0027672, MeSH D009386, MONDO:0015356.

Submissions (2):

Labcorp Genetics (formerly Invitae), Labcorp
Classification: Uncertain significance for Tuberous sclerosis 2. Last evaluated: 2025-04-17. Review status: criteria provided, single submitter. Criteria: Invitae Variant Classification Sherloc (09022015). Collection method: clinical testing. Allele origin: germline.
Comment: This sequence change replaces glutamic acid, which is acidic and polar, with glutamine, which is neutral and polar, at codon 409 of the TSC2 protein (p.Glu409Gln). This variant is not present in population databases (gnomAD no frequency). This variant has not been reported in the literature in individuals affected with TSC2-related conditions. ClinVar contains an entry for this variant (Variation ID: 2449977). Invitae Evidence Modeling of protein sequence and biophysical properties (such as structural, functional, and spatial information, amino acid conservation, physicochemical variation, residue mobility, and thermodynamic stability) indicates that this missense variant is not expected to disrupt TSC2 protein function with a negative predictive value of 95%. In summary, the available evidence is currently insufficient to determine the role of this variant in disease. Therefore, it has been classified as a Variant of Uncertain Significance.

Ambry Genetics
Classification: Uncertain significance for Hereditary cancer-predisposing syndrome. Last evaluated: 2023-01-08. Review status: criteria provided, single submitter. Criteria: Ambry Variant Classification Scheme 2023. Collection method: clinical testing. Allele origin: germline.
Comment: The p.E409Q variant (also known as c.1225G>C), located in coding exon 11 of the TSC2 gene, results from a G to C substitution at nucleotide position 1225. The glutamic acid at codon 409 is replaced by glutamine, an amino acid with highly similar properties. This amino acid position is conserved. In addition, the in silico prediction for this alteration is inconclusive. Since supporting evidence is limited at this time, the clinical significance of this alteration remains unclear.

NM_000548.5(TSC2):c.1225G>C (p.Glu409Gln)

Gene: TSC2 (TSC complex subunit 2; plus strand). Cytogenetic location: 16p13.3.
Variant type: single nucleotide variant.
Coding change: c.1225G>C on transcript NM_000548.5 (MANE Select); coding-DNA position 1225, G replaced by C.
Protein change: p.Glu409Gln; replaces glutamic acid 409 with glutamine.
Molecular consequence: missense variant. On other transcripts: 5 prime UTR variant (10), non-coding transcript variant (5).
Genome position (GRCh38, 1-based): chr16:2,061,976, G>C. VCF-style: chr16-2061976-G-C. GRCh37 (hg19) VCF-style: chr16-2111977-G-C.
Other names: c.1225G>C, p.Glu409Gln (NM_001406664.1, NM_001406665.1, NM_001077183.3 and 6 more transcripts); c.1315G>C, p.Glu439Gln (NM_001406667.1, NM_001406668.1); c.1114G>C, p.Glu372Gln (NM_001406670.1, NM_001318827.2, NM_001406678.1); c.1213G>C, p.Glu405Gln (NM_001406671.1, NM_001406673.1); c.1078G>C, p.Glu360Gln (NM_001406675.1, NM_001406676.1, NM_001318829.2 and 1 more transcripts); c.1168G>C, p.Glu390Gln (NM_001406677.1); c.625G>C, p.Glu209Gln (NM_001318831.2, NM_001406680.1, NM_001406682.1 and 6 more transcripts); c.1258G>C, p.Glu420Gln (NM_001318832.2); and 4 more; short protein forms E390Q, E409Q, E439Q, E209Q, E420Q, E372Q, E405Q, E255Q.
Identifiers: ClinVar variation 2449977 (VCV002449977.3), dbSNP rs2548538325, ClinGen allele CA394321167.
Genomic context (GRCh38, chr16:2,061,976, plus strand): 5'-ACCACGGTGGAGGAGCTGTGTGACCAGAACGAGTTCCACGGGTCTCAGGAGAGATACTTT[G>C]AACTGGTGGAGAGATGTGCGGACCAGAGGCCTGTGAGACCCCCTCCTGGGTGGGGCCTTT-3'
Protein context (NP_000539.2, residues 399-419): EFHGSQERYF[Glu409Gln]LVERCADQRP